The following is an entry in ClinVar:

ClinVar aggregate classification (germline): Uncertain significance (1 of 4 stars; one submission).

Conditions:
Fanconi anemia (FA). Also called: Fanconi's anemia. Identifiers: Orphanet 84, MedGen C0015625, MeSH D005199, MONDO:0019391.

Submission:

Labcorp Genetics (formerly Invitae), Labcorp
Classification: Uncertain significance for Fanconi anemia. Last evaluated: 2023-04-14. Review status: criteria provided, single submitter. Criteria: Invitae Variant Classification Sherloc (09022015). Collection method: clinical testing. Allele origin: germline.
Comment: In summary, the available evidence is currently insufficient to determine the role of this variant in disease. Therefore, it has been classified as a Variant of Uncertain Significance. Advanced modeling of protein sequence and biophysical properties (such as structural, functional, and spatial information, amino acid conservation, physicochemical variation, residue mobility, and thermodynamic stability) performed at Invitae indicates that this missense variant is not expected to disrupt FANCC protein function. This variant has not been reported in the literature in individuals affected with FANCC-related conditions. This variant is not present in population databases (gnomAD no frequency). This sequence change replaces asparagine, which is neutral and polar, with serine, which is neutral and polar, at codon 493 of the FANCC protein (p.Asn493Ser).

NM_000136.3(FANCC):c.1478A>G (p.Asn493Ser)

Genes: AOPEP (aminopeptidase O (putative); plus strand), FANCC (FA complementation group C; minus strand). Cytogenetic location: 9q22.32.
Variant type: single nucleotide variant.
Coding change: c.1478A>G on transcript NM_000136.3 (MANE Select); coding-DNA position 1478, A replaced by G.
Protein change: p.Asn493Ser; replaces asparagine 493 with serine.
Molecular consequence: missense variant.
Genome position (GRCh38, 1-based): chr9:95,107,121, T>C on the plus strand (A>G on the coding strand, the complement: FANCC is on the minus strand). VCF-style: chr9-95107121-T-C. GRCh37 (hg19) VCF-style: chr9-97869403-T-C.
Other names: c.1478A>G, p.Asn493Ser (NM_001243743.2); short protein forms N493S.
Identifiers: ClinVar variation 2856093 (VCV002856093.3), dbSNP rs2134455010, ClinGen allele CA374105702.